The following is an entry in ClinVar:

NM_024928.5(STN1):c.824A>G (p.Gln275Arg)

Gene: STN1 (STN1 subunit of CST complex; minus strand). Cytogenetic location: 10q24.33.
Variant type: single nucleotide variant.
Coding change: c.824A>G on transcript NM_024928.5 (MANE Select); coding-DNA position 824, A replaced by G.
Protein change: p.Gln275Arg; replaces glutamine 275 with arginine.
Molecular consequence: missense variant.
Genome position (GRCh38, 1-based): chr10:103,892,182, T>C on the plus strand (A>G on the coding strand, the complement: STN1 is on the minus strand). VCF-style: chr10-103892182-T-C. GRCh37 (hg19) VCF-style: chr10-105651940-T-C.
Other names: c.824A>G (NM_024928.4); short protein forms Q275R.
Identifiers: ClinVar variation 1348692 (VCV001348692.34), dbSNP rs201076579, ClinGen allele CA5676495.
Genomic context (GRCh38, chr10:103,892,182, plus strand): 5'-TGTCTTACATAGTATAGGTTATCAAAACCATCATCTTTCTGGAAAACAAGTCCTTTTTCC[T>C]GCAGCAGTTGTATAGCATTCTTAAATATACTATGAATTGCCTTGGAAGTGGTGTCCTTCT-3'
Protein context (NP_079204.2, residues 265-285): SIFKNAIQLL[Gln275Arg]EKGLVFQKDD

ClinVar aggregate classification (germline): Conflicting classifications of pathogenicity. Review status: criteria provided, conflicting classifications (1 of 4 stars). 6 submissions from 6 submitters: Uncertain significance (2); Likely benign (4). Last evaluated 2026-01-26.

Conditions:
Inborn genetic diseases. Identifiers: MedGen C0950123, MeSH D030342.

Allele frequency attached by ClinVar (database versions not stated): ESP Exome Variant Server 0.00008; gnomAD exomes 0.00015 and 0.00021; TOPMed 0.00017; ExAC 0.00019; gnomAD 0.00019 and 0.00020.
gnomAD v4.1: 252 of 1,612,430 alleles (0.016%); highest among the groups gnomAD compares: Middle Eastern, 0.083%; 1 homozygote.

Submissions (6):

Labcorp Genetics (formerly Invitae), Labcorp
Classification: Uncertain significance. Last evaluated: 2026-01-26. Review status: criteria provided, single submitter. Criteria: Invitae Variant Classification Sherloc (09022015). Collection method: clinical testing. Allele origin: germline.
Comment: This sequence change replaces glutamine, which is neutral and polar, with arginine, which is basic and polar, at codon 275 of the STN1 protein (p.Gln275Arg). This variant is present in population databases (rs201076579, gnomAD 0.08%). This variant has not been reported in the literature in individuals affected with STN1-related conditions. ClinVar contains an entry for this variant (Variation ID: 1348692). Invitae Evidence Modeling of protein sequence and biophysical properties (such as structural, functional, and spatial information, amino acid conservation, physicochemical variation, residue mobility, and thermodynamic stability) indicates that this missense variant is not expected to disrupt STN1 protein function with a negative predictive value of 80%. In summary, the available evidence is currently insufficient to determine the role of this variant in disease. Therefore, it has been classified as a Variant of Uncertain Significance.

Laboratory of Genetics, Children's Clinical University Hospital Latvia
Classification: Likely benign. Last evaluated: 2025-02-16. Review status: criteria provided, single submitter. Criteria: ACMG Guidelines, 2015. Collection method: clinical testing. Allele origin: germline. Affected: yes.

Blueprint Genetics
Classification: Likely benign. Last evaluated: 2024-11-20. Review status: criteria provided, single submitter. Criteria: ACMG Guidelines, 2015. Collection method: clinical testing. Allele origin: germline.

GeneDx
Classification: Uncertain significance. Last evaluated: 2024-04-29. Review status: criteria provided, single submitter. Criteria: GeneDx Variant Classification Process June 2021. Collection method: clinical testing. Allele origin: germline. Affected: yes.
Comment: In silico analysis indicates that this missense variant does not alter protein structure/function; Has not been previously published as pathogenic or benign to our knowledge

Ambry Genetics
Classification: Likely benign for Inborn genetic diseases. Last evaluated: 2023-05-24. Review status: criteria provided, single submitter. Criteria: Ambry Variant Classification Scheme 2023. Collection method: clinical testing. Allele origin: germline.

CeGaT Center for Human Genetics Tuebingen
Classification: Likely benign. Last evaluated: 2023-02-01. Review status: criteria provided, single submitter. Criteria: CeGaT Center For Human Genetics Tuebingen Variant Classification Criteria Version 2. Collection method: clinical testing. Allele origin: germline. Affected: yes. Observed: 1 variant allele.
Comment: STN1: BP4